The following is an entry in ClinVar:

NM_177965.4(CFAP418):c.89_99del (p.Pro30fs)

Genes: CFAP418 (cilia and flagella associated protein 418; minus strand), CFAP418-AS1 (CFAP418 antisense RNA 1; plus strand), LOC130000784 (ATAC-STARR-seq lymphoblastoid active region 27655; plus strand). Cytogenetic location: 8q22.1.
Variant type: Deletion.
Coding change: c.89_99del on transcript NM_177965.4 (MANE Select); coding-DNA positions 89 to 99, 11 bases deleted (CCAAAGGCTGC).
Protein change: p.Pro30fs; shifts the reading frame from proline 30.
Molecular consequence: frameshift variant.
Genome position (GRCh38, 1-based): chr8:95,269,091-95,269,101, GCAGCCTTTGG deleted on the plus strand (CCAAAGGCTGC on the coding strand, the reverse complement: CFAP418 is on the minus strand); deleting any 11 consecutive bases within chr8:95,269,091-95,269,103 gives the same sequence; the c. name uses the placement nearest the transcript's 3' end. VCF-style (leftmost placement, unchanged base first): chr8-95269090-CGCAGCCTTTGG-C. GRCh37 (hg19) VCF-style: chr8-96281318-CGCAGCCTTTGG-C.
Other names: c.89_99del, p.Pro30fs (NM_001363260.1); short protein forms P30fs.
Identifiers: ClinVar variation 1681151 (VCV001681151.6), dbSNP rs2132171444, ClinGen allele CA2573143400.

ClinVar aggregate classification (germline): Pathogenic (1 of 4 stars; one submission).

Submission:

Labcorp Genetics (formerly Invitae), Labcorp
Classification: Pathogenic. Last evaluated: 2022-10-17. Review status: criteria provided, single submitter. Criteria: Invitae Variant Classification Sherloc (09022015). Collection method: clinical testing. Allele origin: germline.
Comment: For these reasons, this variant has been classified as Pathogenic. ClinVar contains an entry for this variant (Variation ID: 1681151). This variant has not been reported in the literature in individuals affected with C8orf37-related conditions. This variant is not present in population databases (gnomAD no frequency). This sequence change creates a premature translational stop signal (p.Pro30Argfs*7) in the C8orf37 gene. It is expected to result in an absent or disrupted protein product. Loss-of-function variants in C8orf37 are known to be pathogenic (PMID: 22177090, 25802487, 26865426).

Literature cited by the submitters: PubMed 22177090; PubMed 25802487; PubMed 26865426.